The following is an entry in ClinVar:

ClinVar aggregate classification (germline): Conflicting classifications of pathogenicity. Review status: criteria provided, conflicting classifications (1 of 4 stars). 6 submissions from 6 submitters: Uncertain significance (5); Likely benign (1). Last evaluated 2026-05-22.

Conditions:
Cardiovascular phenotype. Identifiers: MedGen CN230736.
Familial hypobetalipoproteinemia 1. Also called: APOB-Related Familial Hypobetalipoproteinemia; Hypobetalipoproteinemia, normotriglyceridemic; Acanthocytosis with hypobetalipoproteinemia. Identifiers: MedGen C4551990, MONDO:0014252, OMIM 615558.
Hypercholesterolemia, autosomal dominant, type B (FHCL2). Also called: Hyperlipoproteinemia Type IIb; Familial Hypercholesterolemia Type B; APOLIPOPROTEIN B-100, FAMILIAL DEFECTIVE; APOLIPOPROTEIN B-100, FAMILIAL LIGAND-DEFECTIVE; Familial hypercholesterolemia 2; HYPERCHOLESTEROLEMIA, FAMILIAL, DUE TO LIGAND-DEFECTIVE APOLIPOPROTEIN B. Identifiers: MedGen C1704417, MONDO:0007751, OMIM 144010.
APOB-related disorder. Also called: APOB-related condition; APOB-related disorders.

Allele frequency attached by ClinVar (database versions not stated): ExAC 0.00005; gnomAD exomes 0.00011 and 0.00016; gnomAD 0.00017; TOPMed 0.00017; ESP Exome Variant Server 0.00038.
gnomAD v4.1: 258 of 1,611,266 alleles (0.016%); highest among the groups gnomAD compares: Admixed American, 0.023%; no homozygotes.

Submissions (6):

PreventionGenetics, part of Exact Sciences
Classification: Uncertain significance for APOB-related condition. Last evaluated: 2026-05-22. Review status: criteria provided, single submitter. Criteria: ACMG Guidelines, 2015. Collection method: clinical testing. Allele origin: germline.
Comment: The APOB c.3200C>T variant is predicted to result in the amino acid substitution p.Pro1067Leu. To our knowledge, this variant has not been reported in the literature. This variant is reported in 0.017% of alleles in individuals of Latino descent in gnomAD. At this time, the clinical significance of this variant is uncertain due to the absence of conclusive functional and genetic evidence.

Labcorp Genetics (formerly Invitae), Labcorp
Classification: Likely benign for Familial hypobetalipoproteinemia 1; Hypercholesterolemia, autosomal dominant, type B. Last evaluated: 2026-01-26. Review status: criteria provided, single submitter. Criteria: Invitae Variant Classification Sherloc (09022015). Collection method: clinical testing. Allele origin: germline.

Ambry Genetics
Classification: Uncertain significance for Cardiovascular phenotype. Last evaluated: 2025-05-12. Review status: criteria provided, single submitter. Criteria: Ambry Variant Classification Scheme 2023. Collection method: clinical testing. Allele origin: germline.
Comment: The p.P1067L variant (also known as c.3200C>T), located in coding exon 21 of the APOB gene, results from a C to T substitution at nucleotide position 3200. The proline at codon 1067 is replaced by leucine, an amino acid with similar properties. This amino acid position is highly conserved in available vertebrate species. In addition, this alteration is predicted to be tolerated by in silico analysis. Based on the available evidence, the clinical significance of this variant remains unclear.

Molecular Diagnostic Laboratory for Inherited Cardiovascular Disease, Montreal Heart Institute
Classification: Uncertain significance for Cardiovascular phenotype. Last evaluated: 2025-04-09. Review status: criteria provided, single submitter. Criteria: ACMG Guidelines, 2015. Collection method: clinical testing. Allele origin: germline. Affected: yes.

ARUP Laboratories, Molecular Genetics and Genomics, ARUP Laboratories
Classification: Uncertain significance. Last evaluated: 2025-04-07. Review status: criteria provided, single submitter. Criteria: ARUP Molecular Germline Variant Investigation Process 2024. Collection method: clinical testing. Allele origin: germline.
Comment: The APOB c.3200C>T; p.Pro1067Leu variant (rs146133928, ClinVar Variation ID: 923798) is reported in the literature in at least one individual with myocardial infarction, but it was also found in the control population with same allele frequency (Beaudoin 2012). This variant is found in the general population with an overall allele frequency of 0.011% (31/282,844 alleles) in the Genome Aggregation Database (v2.1.1). Computational analyses are uncertain whether this variant is neutral or deleterious (REVEL: 0.462). Due to limited information, the clinical significance of this variant is uncertain at this time. References: Beaudoin M et al. Pooled DNA resequencing of 68 myocardial infarction candidate genes in French canadians. Circ Cardiovasc Genet. 2012 Oct 1;5(5):547-54. PMID: 22923420.

GeneDx
Classification: Uncertain significance. Last evaluated: 2024-09-10. Review status: criteria provided, single submitter. Criteria: GeneDx Variant Classification Process June 2021. Collection method: clinical testing. Allele origin: germline.
Comment: Has not been previously published as pathogenic or benign to our knowledge; In silico analysis supports that this missense variant has a deleterious effect on protein structure/function

NM_000384.3(APOB):c.3200C>T (p.Pro1067Leu)

Gene: APOB (apolipoprotein B; minus strand). Cytogenetic location: 2p24.1.
Variant type: single nucleotide variant.
Coding change: c.3200C>T on transcript NM_000384.3 (MANE Select); coding-DNA position 3200, C replaced by T.
Protein change: p.Pro1067Leu; replaces proline 1067 with leucine.
Molecular consequence: missense variant.
Genome position (GRCh38, 1-based): chr2:21,016,571, G>A on the plus strand (C>T on the coding strand, the complement: APOB is on the minus strand). VCF-style: chr2-21016571-G-A. GRCh37 (hg19) VCF-style: chr2-21239443-G-A.
Other names: short protein forms P1067L.
Identifiers: ClinVar variation 923798 (VCV000923798.14), dbSNP rs146133928, ClinGen allele CA058256.